The following is an entry in ClinVar:

NM_006073.4(TRDN):c.1211T>G (p.Val404Gly)

Gene: TRDN (triadin; minus strand). Cytogenetic location: 6q22.31.
Variant type: single nucleotide variant.
Coding change: c.1211T>G on transcript NM_006073.4 (MANE Select); coding-DNA position 1211, T replaced by G.
Protein change: p.Val404Gly; replaces valine 404 with glycine.
Molecular consequence: missense variant.
Genome position (GRCh38, 1-based): chr6:123,377,874, A>C on the plus strand (T>G on the coding strand, the complement: TRDN is on the minus strand). VCF-style: chr6-123377874-A-C. GRCh37 (hg19) VCF-style: chr6-123699019-A-C.
Other names: c.1214T>G, p.Val405Gly (NM_001251987.2); short protein forms V404G, V405G.
Identifiers: ClinVar variation 227107 (VCV000227107.24), dbSNP rs28494009, ClinGen allele CA3984076.

ClinVar aggregate classification (germline): Benign/Likely benign. Review status: criteria provided, multiple submitters, no conflicts (2 of 4 stars). 9 submissions from 9 submitters: Benign (8); Likely benign (1). Last evaluated 2026-02-04.

Conditions:
Cardiovascular phenotype. Identifiers: MedGen CN230736.
Catecholaminergic polymorphic ventricular tachycardia 1. Also called: VENTRICULAR TACHYCARDIA, STRESS-INDUCED POLYMORPHIC 1; VENTRICULAR TACHYCARDIA, CATECHOLAMINERGIC POLYMORPHIC, 1, WITH OR WITHOUT ATRIAL DYSFUNCTION AND/OR DILATED CARDIOMYOPATHY; RYR2-Related Catecholaminergic Polymorphic Ventricular Tachycardia. Identifiers: Orphanet 3286, MedGen C1631597, MONDO:0011484, OMIM 604772.

Allele frequency attached by ClinVar (database versions not stated): gnomAD exomes 0.15249; TOPMed 0.15574; ESP Exome Variant Server 0.15871; gnomAD 0.16408 and 0.16504; 1000 Genomes Project 30x 0.16724; 1000 Genomes Project 0.16913; ExAC 0.20037.
gnomAD v4.1: 228,792 of 1,533,254 alleles (15%); highest among the groups gnomAD compares: South Asian, 23%; 18,325 homozygotes.

Submissions (9):

Labcorp Genetics (formerly Invitae), Labcorp
Classification: Benign for Catecholaminergic polymorphic ventricular tachycardia 1. Last evaluated: 2026-02-04. Review status: criteria provided, single submitter. Criteria: Invitae Variant Classification Sherloc (09022015). Collection method: clinical testing. Allele origin: germline.

Molecular Diagnostic Laboratory for Inherited Cardiovascular Disease, Montreal Heart Institute
Classification: Benign. Last evaluated: 2025-04-09. Review status: criteria provided, single submitter. Criteria: ACMG Guidelines, 2015. Collection method: clinical testing. Allele origin: germline. Affected: no.

Blueprint Genetics
Classification: Benign. Last evaluated: 2024-11-27. Review status: criteria provided, single submitter. Criteria: ACMG Guidelines, 2015. Collection method: clinical testing. Allele origin: germline.

Women's Health and Genetics/Laboratory Corporation of America, LabCorp
Classification: Likely benign. Last evaluated: 2023-04-10. Review status: criteria provided, single submitter. Criteria: LabCorp Variant Classification Summary - May 2015. Collection method: clinical testing. Allele origin: germline.

Mayo Clinic Laboratories, Mayo Clinic
Classification: Benign. Last evaluated: 2022-04-26. Review status: criteria provided, single submitter. Criteria: ACMG Guidelines, 2015. Collection method: clinical testing. Allele origin: germline. Observed: 220 variant alleles.

GeneDx
Classification: Benign. Last evaluated: 2016-09-26. Review status: criteria provided, single submitter. Criteria: GeneDx Variant Classification (06012015). Collection method: clinical testing. Allele origin: germline. Affected: yes.
Comment: This variant is considered likely benign or benign based on one or more of the following criteria: it is a conservative change, it occurs at a poorly conserved position in the protein, it is predicted to be benign by multiple in silico algorithms, and/or has population frequency not consistent with disease.

Ambry Genetics
Classification: Benign for Cardiovascular phenotype. Last evaluated: 2015-03-23. Review status: criteria provided, single submitter. Criteria: Ambry Variant Classification Scheme 2023. Collection method: clinical testing. Allele origin: germline.

Laboratory for Molecular Medicine, Mass General Brigham Personalized Medicine
Classification: Benign. Last evaluated: 2014-11-24. Review status: criteria provided, single submitter. Criteria: LMM Criteria. Collection method: clinical testing. Allele origin: germline. Observed: 157 variant alleles.
Comment: Val404Gly in exon 17 of TRDN: This variant is not expected to have clinical sign ificance because it has been identified in 18.9% (671/3550) of African American chromosomes from a broad population by the NHLBI Exome Sequencing Project (dbSNP rs28494009).

PreventionGenetics, part of Exact Sciences
Classification: Benign. Review status: criteria provided, single submitter. Criteria: ACMG Guidelines, 2015. Collection method: clinical testing. Allele origin: germline.